The following is an entry in ClinVar:

ClinVar aggregate classification (germline): Uncertain significance (1 of 4 stars; one submission).

Submission:

CeGaT Center for Human Genetics Tuebingen
Classification: Uncertain significance. Last evaluated: 2026-03-01. Review status: criteria provided, single submitter. Criteria: CeGaT Center For Human Genetics Tuebingen Variant Classification Criteria Version 2. Collection method: clinical testing. Allele origin: germline. Affected: yes. Observed: 1 variant allele.
Comment: POLR2A: PM2, PP2

NM_000937.5(POLR2A):c.577C>A (p.Arg193Ser)

Gene: POLR2A (RNA polymerase II subunit A; plus strand). Cytogenetic location: 17p13.1.
Variant type: single nucleotide variant.
Coding change: c.577C>A on transcript NM_000937.5 (MANE Select); coding-DNA position 577, C replaced by A.
Protein change: p.Arg193Ser; replaces arginine 193 with serine.
Molecular consequence: missense variant.
Genome position (GRCh38, 1-based): chr17:7,496,803, C>A. VCF-style: chr17-7496803-C-A. GRCh37 (hg19) VCF-style: chr17-7400122-C-A.
Other names: short protein forms R193S.
Identifiers: ClinVar variation 4821865 (VCV004821865.4).
Genomic context (GRCh38, chr17:7,496,803, plus strand): 5'-GCCCCTGTCTCTCCTTGGAAGGGCCATGGTGGCTGTGGGCGGTACCAGCCCAGGATCCGG[C>A]GTTCTGGCCTAGAGCTGTATGCGGAATGGAAGCACGTTAATGAGGACTCTCAGGAGAAGA-3'
Protein context (NP_000928.1, residues 183-203): GCGRYQPRIR[Arg193Ser]SGLELYAEWK